The following is an entry in ClinVar:

NM_001370466.1(NOD2):c.2582C>T (p.Ala861Val)

Gene: NOD2 (nucleotide binding oligomerization domain containing 2; plus strand). Cytogenetic location: 16q12.1.
Variant type: single nucleotide variant.
Coding change: c.2582C>T on transcript NM_001370466.1 (MANE Select); coding-DNA position 2582, C replaced by T.
Protein change: p.Ala861Val; replaces alanine 861 with valine.
Molecular consequence: missense variant. On other transcripts: non-coding transcript variant (1).
Genome position (GRCh38, 1-based): chr16:50,719,957, C>T. VCF-style: chr16-50719957-C-T. GRCh37 (hg19) VCF-style: chr16-50753868-C-T.
Other names: c.2582C>T, p.Ala861Val (NM_001293557.2); c.2663C>T, p.Ala888Val (NM_022162.3); short protein forms A861V, A888V.
Identifiers: ClinVar variation 1313346 (VCV001313346.2), dbSNP rs2150829286, ClinGen allele CA395874341.

ClinVar aggregate classification (germline): Uncertain significance (1 of 4 stars; one submission).

Submission:

GeneDx
Classification: Uncertain significance. Last evaluated: 2020-10-20. Review status: criteria provided, single submitter. Criteria: GeneDx Variant Classification Process June 2021. Collection method: clinical testing. Allele origin: germline. Affected: yes.
Comment: Not observed in large population cohorts (Lek et al., 2016); In silico analysis supports that this missense variant has a deleterious effect on protein structure/function; Has not been previously published as pathogenic or benign to our knowledge